The following is an entry in ClinVar:

NM_138694.4(PKHD1):c.9370C>T (p.His3124Tyr)

Gene: PKHD1 (PKHD1 ciliary IPT domain containing fibrocystin/polyductin; minus strand). Cytogenetic location: 6p12.3.
Variant type: single nucleotide variant.
Coding change: c.9370C>T on transcript NM_138694.4 (MANE Select); coding-DNA position 9370, C replaced by T.
Protein change: p.His3124Tyr; replaces histidine 3124 with tyrosine.
Molecular consequence: missense variant.
Genome position (GRCh38, 1-based): chr6:51,748,246, G>A on the plus strand (C>T on the coding strand, the complement: PKHD1 is on the minus strand). VCF-style: chr6-51748246-G-A. GRCh37 (hg19) VCF-style: chr6-51613044-G-A.
Other names: c.9370C>T, p.His3124Tyr (NM_170724.3); short protein forms H3124Y.
Identifiers: ClinVar variation 555142 (VCV000555142.15), dbSNP rs1554218666, ClinGen allele CA364421233.
Genomic context (GRCh38, chr6:51,748,246, plus strand): 5'-TTCTGGTACAGTTGTCAAGTCCACTTTCCTTATAGAGATGAAGGCCATGAAGACTTGAAT[G>A]CGCCACATTGTCAGACCAAAGCAGTTCACAAGAGGAGCACTTGTGGCCTCGGATGTGAAA-3'
Protein context (NP_619639.3, residues 3114-3134): CELLWSDNVA[His3124Tyr]SSLHGLHLYK

ClinVar aggregate classification (germline): Pathogenic/Likely pathogenic. Review status: criteria provided, multiple submitters, no conflicts (2 of 4 stars). 8 submissions from 8 submitters: Pathogenic (6); Likely pathogenic (1). 1 of the submissions does not count toward it. Last evaluated 2025-10-02.

Conditions:
Polycystic kidney disease 4 (PKD4). Also called: POLYCYSTIC KIDNEY DISEASE 4 WITH OR WITHOUT POLYCYSTIC LIVER DISEASE; PKD3; POLYCYSTIC KIDNEY AND HEPATIC DISEASE 1; POLYCYSTIC KIDNEY DISEASE, INFANTILE, TYPE I; Autosomal Recessive Polycystic Kidney Disease – PKHD1. Identifiers: MedGen C4540575, MONDO:0033004, OMIM 263200.
Autosomal recessive polycystic kidney disease (ARPKD). Also called: AR polycystic kidney disease. Identifiers: Orphanet 731, Orphanet 8378, MedGen C0085548, MeSH D017044, MONDO:0009889.

Allele frequency attached by ClinVar (database versions not stated): TOPMed 0.00001.

Submissions (8):

Natera, Inc.
Classification: Pathogenic for Autosomal recessive polycystic kidney disease. Last evaluated: 2025-10-02. Review status: criteria provided, single submitter. Criteria: Natera Variant Classification Schema (03/2026). Collection method: clinical testing. Allele origin: germline.
Comment: The c.9370C>T variant in PKHD1 is a missense variant predicted to cause substitution of histidine to tyrosine at amino acid 3124. This variant is rare in the general population with a frequency below the threshold expected for the associated phenotype(s). This variant has been observed in one or more individuals affected with the associated recessive disease, as either homozygous or compound heterozygous with a second variant (PMID: 32398770, 31844813). Computational prediction algorithms indicate this variant is likely to affect gene or protein function. Given the available evidence, this variant is classified as Pathogenic.

Immunogenetics and Transplant Biology Service, University Hospital "Città della Salute e della Scienza di Torino"
Classification: Pathogenic for Polycystic kidney disease 4. Last evaluated: 2025-06-28. Review status: criteria provided, single submitter. Criteria: ACMG Guidelines, 2015. Collection method: clinical testing. Allele origin: germline. Affected: yes.

Women's Health and Genetics/Laboratory Corporation of America, LabCorp
Classification: Pathogenic for Autosomal recessive polycystic kidney disease. Last evaluated: 2024-08-19. Review status: criteria provided, single submitter. Criteria: LabCorp Variant Classification Summary - May 2015. Collection method: clinical testing. Allele origin: germline.
Comment: Variant summary: PKHD1 c.9370C>T (p.His3124Tyr) results in a conservative amino acid change in the encoded protein sequence. Four of five in-silico tools predict a damaging effect of the variant on protein function. The variant was absent in 250932 control chromosomes. c.9370C>T has been reported in the literature in multiple homozygous or compound heterozygous individuals affected with Polycystic Kidney And Hepatic Disease (e.g. Bergmann_2005, Al Alawi_2019, Schonauer_2020, Szabo_2018, Wicher_2020). These data indicate that the variant is very likely to be associated with disease. To our knowledge, no experimental evidence demonstrating an impact on protein function has been reported. The following publications have been ascertained in the context of this evaluation (PMID: 31844813, 15698423, 32398770, 29956005, 33282801). ClinVar contains an entry for this variant (Variation ID: 555142). Based on the evidence outlined above, the variant was classified as pathogenic.

Baylor Genetics
Classification: Likely pathogenic for Polycystic kidney disease 4. Last evaluated: 2023-12-13. Review status: criteria provided, single submitter. Criteria: ACMG Guidelines, 2015. Collection method: clinical testing. Allele origin: unknown.

Labcorp Genetics (formerly Invitae), Labcorp
Classification: Pathogenic for Autosomal recessive polycystic kidney disease. Last evaluated: 2023-04-06. Review status: criteria provided, single submitter. Criteria: Invitae Variant Classification Sherloc (09022015). Collection method: clinical testing. Allele origin: germline.
Comment: This sequence change replaces histidine, which is basic and polar, with tyrosine, which is neutral and polar, at codon 3124 of the PKHD1 protein (p.His3124Tyr). For these reasons, this variant has been classified as Pathogenic. Advanced modeling of protein sequence and biophysical properties (such as structural, functional, and spatial information, amino acid conservation, physicochemical variation, residue mobility, and thermodynamic stability) performed at Invitae indicates that this missense variant is expected to disrupt PKHD1 protein function. This variant is not present in population databases (gnomAD no frequency). This missense change has been observed in individual(s) with autosomal recessive polycystic kidney disease (PMID: 12874454, 15108281, 31844813, 32398770). In at least one individual the data is consistent with being in trans (on the opposite chromosome) from a pathogenic variant. ClinVar contains an entry for this variant (Variation ID: 555142).

Laboratory of Molecular Genetics, Children's Memorial Health Institute
Classification: Pathogenic for Polycystic kidney disease 4. Last evaluated: 2020-09-25. Review status: criteria provided, single submitter. Criteria: ACMG Guidelines, 2015. Collection method: clinical testing. Allele origin: maternal. Inheritance: Autosomal recessive inheritance. Affected: yes. Observed: 1 compound heterozygote.

Kariminejad - Najmabadi Pathology & Genetics Center
Classification: Pathogenic for Polycystic kidney disease 4. Review status: criteria provided, single submitter. Criteria: ACMG Guidelines, 2015. Collection method: clinical testing. Allele origin: germline. Affected: no.

Counsyl
Classification: Likely pathogenic for Polycystic kidney disease 4. Last evaluated: 2017-11-17. Review status: no assertion criteria provided. Collection method: clinical testing. Allele origin: unknown. Not counted in ClinVar's aggregate classification.

Literature cited by the submitters: PubMed 32398770 (cited by 3 submitters); PubMed 31844813 (cited by 3 submitters); PubMed 15698423 (cited by Women's Health and Genetics/Laboratory Corporation of America, LabCorp); PubMed 29956005 (cited by Women's Health and Genetics/Laboratory Corporation of America, LabCorp); PubMed 33282801 (cited by Women's Health and Genetics/Laboratory Corporation of America, LabCorp); PubMed 12874454 (cited by Labcorp Genetics (formerly Invitae), Labcorp); PubMed 15108281 (cited by Labcorp Genetics (formerly Invitae), Labcorp and Counsyl); PubMed 27225849 (cited by Counsyl).